The following is an entry in ClinVar:

NM_007294.4(BRCA1):c.4976del (p.Pro1659fs)

Gene: BRCA1 (BRCA1 DNA repair associated; minus strand). Cytogenetic location: 17q21.31.
Variant type: Deletion.
Coding change: c.4976del on transcript NM_007294.4 (MANE Select); coding-DNA position 4976, one base deleted (C; older notation c.4976delC).
Protein change: p.Pro1659fs; shifts the reading frame from proline 1659.
Molecular consequence: frameshift variant. On other transcripts: non-coding transcript variant (1).
Genome position (GRCh38, 1-based): chr17:43,070,938, G deleted on the plus strand (C on the coding strand, the reverse complement: BRCA1 is on the minus strand); the first of 4 consecutive G bases (chr17:43,070,938-43,070,941); deleting any one gives the same sequence. VCF-style (leftmost placement, unchanged base first): chr17-43070937-TG-T. GRCh37 (hg19) VCF-style: chr17-41222954-TG-T.
Other names: 5095delC; c.1583delC, p.Pro529Glnfs (NM_001408415.1, NM_001408416.1, NM_001408412.1 and 2 more transcripts); c.1547delC, p.Pro517Glnfs (NM_001408418.1, NM_001408419.1, NM_001408420.1); c.1544delC, p.Pro516Glnfs (NM_001408421.1, NM_001408422.1, NM_001408423.1 and 1 more transcripts); c.1541delC, p.Pro515Glnfs (NM_001408425.1, NM_001408426.1, NM_001408427.1 and 4 more transcripts); c.1538delC, p.Pro514Glnfs (NM_001408432.1, NM_001408433.1, NM_001408434.1 and 10 more transcripts); c.1535delC, p.Pro513Glnfs (NM_001408445.1, NM_001408446.1, NM_001408447.1 and 2 more transcripts); c.1529delC, p.Pro511Glnfs (NM_001408451.1); and 75 more; short protein forms P1659fs, P555fs, P1612fs, P1680fs.
Identifiers: ClinVar variation 252399 (VCV000252399.21), dbSNP rs879255295, ClinGen allele CA10585909.

ClinVar aggregate classification (germline): Pathogenic. Review status: reviewed by expert panel (3 of 4 stars). 7 submissions from 7 submitters: Pathogenic (1). 6 of the submissions do not count toward it. Last evaluated 2016-10-18.

Conditions:
Breast-ovarian cancer, familial, susceptibility to, 1 (BROVCA1). Also called: BRCA1 Hereditary Breast and Ovarian Cancer; OVARIAN CANCER, SUSCEPTIBILITY TO. Identifiers: Orphanet 145, MedGen C2676676, MONDO:0011450, OMIM 604370. Disease mechanism: loss of function.
Familial cancer of breast. Also called: hereditary breast carcinoma; BREAST CANCER, FAMILIAL; Hereditary breast cancer. Identifiers: Orphanet 227535, MedGen C0346153, MONDO:0016419, OMIM 114480. Disease mechanism: loss of function.
Fanconi anemia, complementation group S (FANCS). Identifiers: MedGen C4554406, MONDO:0054748, OMIM 617883.
Pancreatic cancer, susceptibility to, 4. Identifiers: Orphanet 1333, MedGen C3280442, MONDO:0013685, OMIM 614320.
Hereditary cancer-predisposing syndrome. Also called: Tumor predisposition; Neoplastic Syndromes, Hereditary; Hereditary Cancer Syndrome; Hereditary neoplastic syndrome. Identifiers: Orphanet 140162, MedGen C0027672, MeSH D009386, MONDO:0015356.
Hereditary breast ovarian cancer syndrome. Also called: Hereditary breast and ovarian cancer; Hereditary breast and ovarian cancer syndrome (HBOC); Breast and ovarian cancer; BRCA1- and BRCA2-Associated Hereditary Breast and Ovarian Cancer; Hereditary breast and ovarian cancer syndrome; Hereditary breast and/or ovarian cancer syndrome. Identifiers: Orphanet 145, MedGen C0677776, MeSH D061325, MONDO:0003582. Disease mechanism: loss of function.

Submissions (7):

Evidence-based Network for the Interpretation of Germline Mutant Alleles (ENIGMA)
Classification: Pathogenic for Breast-ovarian cancer, familial, susceptibility to, 1. Last evaluated: 2016-10-18. Review status: reviewed by expert panel. Criteria: ENIGMA BRCA1/2 Classification Criteria (2015). Collection method: curation. Allele origin: germline.
Comment: Variant allele predicted to encode a truncated non-functional protein.

Ambry Genetics
Classification: Pathogenic for Hereditary cancer-predisposing syndrome. Last evaluated: 2026-08-05. Review status: criteria provided, single submitter. Criteria: Ambry Variant Classification Scheme 2023. Collection method: clinical testing. Allele origin: germline. Not counted in ClinVar's aggregate classification.
Comment: The c.4976delC pathogenic mutation, located in coding exon 14 of the BRCA1 gene, results from a deletion of one nucleotide at nucleotide position 4976, causing a translational frameshift with a predicted alternate stop codon (p.P1659Qfs*18). This variant is considered to be rare based on population cohorts in the Genome Aggregation Database (gnomAD). This alteration is expected to result in loss of function by premature protein truncation or nonsense-mediated mRNA decay. As such, this alteration is interpreted as a disease-causing mutation.

Labcorp Genetics (formerly Invitae), Labcorp
Classification: Pathogenic for Hereditary breast ovarian cancer syndrome. Last evaluated: 2025-01-05. Review status: criteria provided, single submitter. Criteria: Invitae Variant Classification Sherloc (09022015). Collection method: clinical testing. Allele origin: germline. Not counted in ClinVar's aggregate classification.
Comment: This sequence change creates a premature translational stop signal (p.Pro1659Glnfs*18) in the BRCA1 gene. It is expected to result in an absent or disrupted protein product. Loss-of-function variants in BRCA1 are known to be pathogenic (PMID: 20104584). This variant is not present in population databases (gnomAD no frequency). This premature translational stop signal has been observed in individual(s) with BRCA1-related conditions (PMID: 21520333). ClinVar contains an entry for this variant (Variation ID: 252399). For these reasons, this variant has been classified as Pathogenic.

Quest Diagnostics Nichols Institute San Juan Capistrano
Classification: Pathogenic. Last evaluated: 2023-05-11. Review status: criteria provided, single submitter. Criteria: Quest Diagnostics criteria. Collection method: clinical testing. Allele origin: unknown. Not counted in ClinVar's aggregate classification.
Comment: This frameshift variant alters the translational reading frame of the BRCA1 mRNA and causes the premature termination of BRCA1 protein synthesis. It has not been reported in large, multi-ethnic general populations. In the published literature, the variant has been reported in a single family in a large-scale BRCA1/BRCA2 mutation carrier screen (PMID: 29446198 (2018)). Based on the available information, this variant is classified as pathogenic.

Fulgent Genetics
Classification: Pathogenic for Familial cancer of breast; Breast-ovarian cancer, familial, susceptibility to, 1; Pancreatic cancer, susceptibility to, 4; Fanconi anemia, complementation group S. Last evaluated: 2021-12-17. Review status: criteria provided, single submitter. Criteria: ACMG Guidelines, 2015. Collection method: clinical testing. Allele origin: unknown. Not counted in ClinVar's aggregate classification.

Color Diagnostics, LLC DBA Color Health
Classification: Pathogenic for Hereditary cancer-predisposing syndrome. Last evaluated: 2020-01-15. Review status: criteria provided, single submitter. Criteria: ACMG Guidelines, 2015. Collection method: clinical testing. Allele origin: germline. Not counted in ClinVar's aggregate classification.
Comment: This variant deletes 1 nucleotide in exon 15 of the BRCA1 gene, creating a frameshift and premature translation stop signal. This variant is expected to result in an absent or non-functional protein product. This variant has not been identified in the general population by the Genome Aggregation Database (gnomAD). Loss of BRCA1 function is a known mechanism of disease. Based on the available evidence, this variant is classified as Pathogenic.

Consortium of Investigators of Modifiers of BRCA1/2 (CIMBA), c/o University of Cambridge
Classification: Pathogenic for Breast-ovarian cancer, familial, susceptibility to, 1. Last evaluated: 2015-10-02. Review status: criteria provided, single submitter. Criteria: CIMBA Mutation Classification guidelines May 2016. Collection method: clinical testing. Allele origin: germline. Not counted in ClinVar's aggregate classification.

Literature cited by the submitters: PubMed 20104584 (cited by Labcorp Genetics (formerly Invitae), Labcorp); PubMed 21520333 (cited by Labcorp Genetics (formerly Invitae), Labcorp); PubMed 29446198 (cited by Quest Diagnostics Nichols Institute San Juan Capistrano).